The following is an entry in ClinVar:

ClinVar aggregate classification (germline): Uncertain significance. Review status: criteria provided, multiple submitters, no conflicts (2 of 4 stars). 3 submissions from 2 submitters: Uncertain significance (3). Last evaluated 2025-10-20.

Conditions:
Noonan syndrome 4 (NS4). Also called: SOS1-Related Noonan Syndrome; NOONAN SYNDROME WITH PIGMENTED VILLONODULAR SYNOVITIS. Identifiers: Orphanet 648, MedGen C1853120, MONDO:0012547, OMIM 610733.
Fibromatosis, gingival, 1 (GINGF1). Identifiers: Orphanet 2024, MedGen C4551558, MONDO:0007609, OMIM 135300.
RASopathy. Also called: Noonan spectrum disorder; rasopathies. Identifiers: Orphanet 536391, MedGen C5555857, MONDO:0021060.

Allele frequency attached by ClinVar (database versions not stated): gnomAD exomes below 0.00001; TOPMed below 0.00001.
gnomAD v4.1: 1 of 1,613,624 alleles (0.000062%); highest among the groups gnomAD compares: Non-Finnish European, 0.000085%; no homozygotes.

Submissions (3):

Labcorp Genetics (formerly Invitae), Labcorp
Classification: Uncertain significance for RASopathy. Last evaluated: 2025-10-20. Review status: criteria provided, single submitter. Criteria: Invitae Variant Classification Sherloc (09022015). Collection method: clinical testing. Allele origin: germline.
Comment: This sequence change replaces serine, which is neutral and polar, with alanine, which is neutral and non-polar, at codon 1265 of the SOS1 protein (p.Ser1265Ala). This variant is not present in population databases (gnomAD no frequency). This variant has not been reported in the literature in individuals affected with SOS1-related conditions. ClinVar contains an entry for this variant (Variation ID: 336014). Invitae Evidence Modeling of protein sequence and biophysical properties (such as structural, functional, and spatial information, amino acid conservation, physicochemical variation, residue mobility, and thermodynamic stability) indicates that this missense variant is not expected to disrupt SOS1 protein function with a negative predictive value of 95%. In summary, the available evidence is currently insufficient to determine the role of this variant in disease. Therefore, it has been classified as a Variant of Uncertain Significance.

Illumina Laboratory Services, Illumina
Classification: Uncertain significance for Fibromatosis, gingival, 1. Last evaluated: 2018-01-12. Review status: criteria provided, single submitter. Criteria: ICSL Variant Classification Criteria 13 December 2019. Collection method: clinical testing. Allele origin: germline.

Illumina Laboratory Services, Illumina
Classification: Uncertain significance for Noonan syndrome 4. Last evaluated: 2018-01-12. Review status: criteria provided, single submitter. Criteria: ICSL Variant Classification Criteria 13 December 2019. Collection method: clinical testing. Allele origin: germline.

NM_005633.4(SOS1):c.3793T>G (p.Ser1265Ala)

Gene: SOS1 (SOS Ras/Rac guanine nucleotide exchange factor 1; minus strand). Cytogenetic location: 2p22.1.
Variant type: single nucleotide variant.
Coding change: c.3793T>G on transcript NM_005633.4 (MANE Select); coding-DNA position 3793, T replaced by G.
Protein change: p.Ser1265Ala; replaces serine 1265 with alanine.
Molecular consequence: missense variant.
Genome position (GRCh38, 1-based): chr2:38,986,033, A>C on the plus strand (T>G on the coding strand, the complement: SOS1 is on the minus strand). VCF-style: chr2-38986033-A-C. GRCh37 (hg19) VCF-style: chr2-39213174-A-C.
Other names: c.3772T>G, p.Ser1258Ala (NM_001382394.1); c.3748T>G, p.Ser1250Ala (NM_001382395.1); short protein forms S1265A, S1250A, S1258A.
Identifiers: ClinVar variation 336014 (VCV000336014.9), dbSNP rs886056023, ClinGen allele CA10615441.